The following is an entry in ClinVar:

NM_000059.4(BRCA2):c.8099T>C (p.Ile2700Thr)

Gene: BRCA2 (BRCA2 DNA repair associated; plus strand). Cytogenetic location: 13q13.1.
Variant type: single nucleotide variant.
Coding change: c.8099T>C on transcript NM_000059.4 (MANE Select); coding-DNA position 8099, T replaced by C.
Protein change: p.Ile2700Thr; replaces isoleucine 2700 with threonine.
Molecular consequence: missense variant.
Genome position (GRCh38, 1-based): chr13:32,363,301, T>C. VCF-style: chr13-32363301-T-C. GRCh37 (hg19) VCF-style: chr13-32937438-T-C.
Other names: short protein forms I2700T.
Identifiers: ClinVar variation 142293 (VCV000142293.9), dbSNP rs587782365, ClinGen allele CA025453.
Genomic context (GRCh38, chr13:32,363,301, plus strand): 5'-ACACAGCTGCAAAAACACTTGTTCTCTGTGTTTCTGACATAATTTCATTGAGCGCAAATA[T>C]ATCTGAAACTTCTAGCAATAAAACTAGTAGTGCAGATACCCAAAAAGTGGCCATTATTGA-3'
Protein context (NP_000050.3, residues 2690-2710): VSDIISLSAN[Ile2700Thr]SETSSNKTSS

ClinVar aggregate classification (germline): Conflicting classifications of pathogenicity. Review status: criteria provided, conflicting classifications (1 of 4 stars). 2 submissions from 2 submitters: Uncertain significance (1); Benign (1). Last evaluated 2025-05-09.

Conditions:
Hereditary cancer-predisposing syndrome. Also called: Neoplastic Syndromes, Hereditary; Tumor predisposition; Hereditary Cancer Syndrome; Hereditary neoplastic syndrome. Identifiers: Orphanet 140162, MedGen C0027672, MeSH D009386, MONDO:0015356.
Hereditary breast ovarian cancer syndrome. Also called: Breast and ovarian cancer; Hereditary breast and ovarian cancer; Hereditary breast and/or ovarian cancer syndrome; BRCA1- and BRCA2-Associated Hereditary Breast and Ovarian Cancer; Hereditary breast and ovarian cancer syndrome; Hereditary breast and ovarian cancer syndrome (HBOC). Identifiers: Orphanet 145, MedGen C0677776, MeSH D061325, MONDO:0003582. Disease mechanism: loss of function.

Submissions (2):

Ambry Genetics
Classification: Benign for Hereditary cancer-predisposing syndrome. Last evaluated: 2025-05-09. Review status: criteria provided, single submitter. Criteria: Ambry Variant Classification Scheme 2023. Collection method: clinical testing. Allele origin: germline.

Labcorp Genetics (formerly Invitae), Labcorp
Classification: Uncertain significance for Hereditary breast ovarian cancer syndrome. Last evaluated: 2023-03-16. Review status: criteria provided, single submitter. Criteria: Invitae Variant Classification Sherloc (09022015). Collection method: clinical testing. Allele origin: germline.
Comment: Advanced modeling of protein sequence and biophysical properties (such as structural, functional, and spatial information, amino acid conservation, physicochemical variation, residue mobility, and thermodynamic stability) performed at Invitae indicates that this missense variant is not expected to disrupt BRCA2 protein function. ClinVar contains an entry for this variant (Variation ID: 142293). This missense change has been observed in individual(s) with breast cancer (PMID: 30287823). This variant is not present in population databases (gnomAD no frequency). This sequence change replaces isoleucine, which is neutral and non-polar, with threonine, which is neutral and polar, at codon 2700 of the BRCA2 protein (p.Ile2700Thr). In summary, the available evidence is currently insufficient to determine the role of this variant in disease. Therefore, it has been classified as a Variant of Uncertain Significance.

Literature cited by the submitters: PubMed 30287823 (cited by Labcorp Genetics (formerly Invitae), Labcorp).